The following is an entry in ClinVar:

ClinVar aggregate classification (germline): Likely benign. Review status: criteria provided, multiple submitters, no conflicts (2 of 4 stars). 3 submissions from 3 submitters: Likely benign (3). Last evaluated 2025-11-10.

Conditions:
Hereditary cancer-predisposing syndrome. Also called: Tumor predisposition; Hereditary Cancer Syndrome; Neoplastic Syndromes, Hereditary; Hereditary neoplastic syndrome. Identifiers: Orphanet 140162, MedGen C0027672, MeSH D009386, MONDO:0015356.
Multiple endocrine neoplasia, type 2 (MEN2). Identifiers: Orphanet 653, MedGen C4048306, MONDO:0019003. Disease mechanism: gain of function.

Allele frequency attached by ClinVar (database versions not stated): gnomAD exomes below 0.00001; TOPMed below 0.00001; gnomAD 0.00001.
gnomAD v4.1: 2 of 1,511,646 alleles (0.00013%); highest among the groups gnomAD compares: African/African-American, 0.0028%; no homozygotes.

Submissions (3):

Labcorp Genetics (formerly Invitae), Labcorp
Classification: Likely benign for Multiple endocrine neoplasia, type 2. Last evaluated: 2025-11-10. Review status: criteria provided, single submitter. Criteria: Invitae Variant Classification Sherloc (09022015). Collection method: clinical testing. Allele origin: germline.

All of Us Research Program, National Institutes of Health
Classification: Likely benign for Multiple endocrine neoplasia, type 2. Last evaluated: 2024-05-14. Review status: criteria provided, single submitter. Criteria: ACMG Guidelines, 2015. Collection method: clinical testing. Allele origin: germline. Inheritance: Autosomal dominant inheritance. Observed: 1 variant allele, 1 heterozygote.
Comment: This study involves interpretation of variants in research participants for the purpose of population health screening. Participant phenotype was not available at the time of variant classification. Additional details can be found in publication PMID: 35346344, PMCID: PMC8962531

Ambry Genetics
Classification: Likely benign for Hereditary cancer-predisposing syndrome. Last evaluated: 2020-10-16. Review status: criteria provided, single submitter. Criteria: Ambry Variant Classification Scheme 2023. Collection method: clinical testing. Allele origin: germline.

NM_020975.6(RET):c.43T>C (p.Leu15=)

Gene: RET (ret proto-oncogene; plus strand). Cytogenetic location: 10q11.21.
Variant type: single nucleotide variant.
Coding change: c.43T>C on transcript NM_020975.6 (MANE Select); coding-DNA position 43, T replaced by C.
Protein change: p.Leu15=; no amino-acid change (leucine 15 retained).
Molecular consequence: synonymous variant.
Genome position (GRCh38, 1-based): chr10:43,077,301, T>C. VCF-style: chr10-43077301-T-C. GRCh37 (hg19) VCF-style: chr10-43572749-T-C.
Other names: c.43T>C, p.Leu15= (NM_000323.2, NM_001406743.1, NM_001406744.1 and 38 more transcripts).
Identifiers: ClinVar variation 1112203 (VCV001112203.13), dbSNP rs1418746925, ClinGen allele CA469274969.